The following is an entry in ClinVar:

NM_000553.6(WRN):c.3598A>G (p.Arg1200Gly)

Gene: WRN (WRN RecQ like helicase; plus strand). Cytogenetic location: 8p12.
Variant type: single nucleotide variant.
Coding change: c.3598A>G on transcript NM_000553.6 (MANE Select); coding-DNA position 3598, A replaced by G.
Protein change: p.Arg1200Gly; replaces arginine 1200 with glycine.
Molecular consequence: missense variant.
Genome position (GRCh38, 1-based): chr8:31,150,366, A>G. VCF-style: chr8-31150366-A-G. GRCh37 (hg19) VCF-style: chr8-31007882-A-G.
Other names: short protein forms R1200G.
Identifiers: ClinVar variation 3700893 (VCV003700893.2).

ClinVar aggregate classification (germline): Uncertain significance (1 of 4 stars; one submission).

Conditions:
Werner syndrome (WRN). Identifiers: Orphanet 902, MedGen C0043119, MONDO:0010196, OMIM 277700.

gnomAD v4.1: 3 of 1,614,194 alleles (0.00019%); highest among the groups gnomAD compares: East Asian, 0.0022%; no homozygotes.

Submission:

Labcorp Genetics (formerly Invitae), Labcorp
Classification: Uncertain significance for Werner syndrome. Last evaluated: 2024-11-16. Review status: criteria provided, single submitter. Criteria: Invitae Variant Classification Sherloc (09022015). Collection method: clinical testing. Allele origin: germline.
Comment: This sequence change replaces arginine, which is basic and polar, with glycine, which is neutral and non-polar, at codon 1200 of the WRN protein (p.Arg1200Gly). This variant is not present in population databases (gnomAD no frequency). This variant has not been reported in the literature in individuals affected with WRN-related conditions. An algorithm developed to predict the effect of missense changes on protein structure and function (PolyPhen-2) suggests that this variant is likely to be disruptive. In summary, the available evidence is currently insufficient to determine the role of this variant in disease. Therefore, it has been classified as a Variant of Uncertain Significance.